The following is an entry in ClinVar:

ClinVar aggregate classification (germline): Benign/Likely benign. Review status: criteria provided, multiple submitters, no conflicts (2 of 4 stars). 3 submissions from 3 submitters: Benign (1); Likely benign (2). Last evaluated 2026-07-10.

Conditions:
Hereditary cancer-predisposing syndrome. Also called: Hereditary Cancer Syndrome; Hereditary neoplastic syndrome; Neoplastic Syndromes, Hereditary; Tumor predisposition. Identifiers: Orphanet 140162, MedGen C0027672, MeSH D009386, MONDO:0015356.
Rhabdoid tumor predisposition syndrome 2 (RTPS2). Identifiers: Orphanet 231108, Orphanet 69077, MedGen C2750074, MONDO:0013224, OMIM 613325.

gnomAD v4.1: 1 of 1,612,876 alleles (0.000062%); highest among the groups gnomAD compares: Non-Finnish European, 0.000085%; no homozygotes.

Submissions (3):

Myriad Genetics, Inc.
Classification: Benign for Rhabdoid tumor predisposition syndrome 2. Last evaluated: 2026-07-10. Review status: criteria provided, single submitter. Criteria: Myriad Autosomal Dominant, Autosomal Recessive and X-Linked Classification Criteria (2023). Collection method: clinical testing. Allele origin: unknown.
Comment: This variant is considered benign. This variant is a silent/synonymous amino acid change and it is not expected to impact splicing.

Labcorp Genetics (formerly Invitae), Labcorp
Classification: Likely benign for Rhabdoid tumor predisposition syndrome 2. Last evaluated: 2025-07-24. Review status: criteria provided, single submitter. Criteria: Invitae Variant Classification Sherloc (09022015). Collection method: clinical testing. Allele origin: germline.

Ambry Genetics
Classification: Likely benign for Hereditary cancer-predisposing syndrome. Last evaluated: 2016-06-23. Review status: criteria provided, single submitter. Criteria: Ambry Variant Classification Scheme 2023. Collection method: clinical testing. Allele origin: germline.

NM_003072.5(SMARCA4):c.1344C>G (p.Arg448=)

Gene: SMARCA4 (SWI/SNF related BAF chromatin remodeling complex subunit ATPase 4; plus strand). Cytogenetic location: 19p13.2.
Variant type: single nucleotide variant.
Coding change: c.1344C>G on transcript NM_003072.5 (MANE Select); coding-DNA position 1344, C replaced by G.
Protein change: p.Arg448=; no amino-acid change (arginine 448 retained).
Molecular consequence: synonymous variant. On other transcripts: non-coding transcript variant (1).
Genome position (GRCh38, 1-based): chr19:10,991,248, C>G. VCF-style: chr19-10991248-C-G. GRCh37 (hg19) VCF-style: chr19-11101924-C-G.
Other names: c.1344C>G, p.Arg448= (NM_001128844.3, NM_001128845.2, NM_001128846.2 and 5 more transcripts).
Identifiers: ClinVar variation 415131 (VCV000415131.17), dbSNP rs140328531, ClinGen allele CA16615895.
Genomic context (GRCh38, chr19:10,991,248, plus strand): 5'-AGCGCTGGAGACAGCCCTCAATGCTAAGGCCTACAAGCGCAGCAAGCGCCAGTCCCTGCG[C>G]GAGGCCCGCATCACTGAGAAGCTGGAGAAGCAGCAGAAGATCGAGCAGGAGCGCAAGCGC-3'
Protein context (NP_003063.2, residues 438-458): AYKRSKRQSL[Arg448=]EARITEKLEK